The following is an entry in ClinVar:

NM_000138.5(FBN1):c.1753G>A (p.Gly585Arg)

Gene: FBN1 (fibrillin 1; minus strand). Cytogenetic location: 15q21.1.
Variant type: single nucleotide variant.
Coding change: c.1753G>A on transcript NM_000138.5 (MANE Select); coding-DNA position 1753, G replaced by A.
Protein change: p.Gly585Arg; replaces glycine 585 with arginine.
Molecular consequence: missense variant.
Genome position (GRCh38, 1-based): chr15:48,508,666, C>T on the plus strand (G>A on the coding strand, the complement: FBN1 is on the minus strand). VCF-style: chr15-48508666-C-T. GRCh37 (hg19) VCF-style: chr15-48800863-C-T.
Other names: short protein forms G585R.
Identifiers: ClinVar variation 426255 (VCV000426255.11), dbSNP rs1085307528, ClinGen allele CA392340510.
Genomic context (GRCh38, chr15:48,508,666, plus strand): 5'-CCAGCTGGAATCCAGGTTTGCAAATACATTTAAAACTGCCATCTTCATTGATACACATTC[C>T]ATTAAGGCACATGTTCCTTATGCTGCATTCATCCATATCTGAAAATACAAAACATACATT-3'
Protein context (NP_000129.3, residues 575-595): ECSIRNMCLN[Gly585Arg]MCINEDGSFK

ClinVar aggregate classification (germline): Conflicting classifications of pathogenicity. Review status: criteria provided, conflicting classifications (1 of 4 stars). 3 submissions from 3 submitters: Likely pathogenic (2); Uncertain significance (1). Last evaluated 2025-12-09.

Conditions:
Marfan Syndrome/Loeys-Dietz Syndrome/Familial Thoracic Aortic Aneurysms and Dissections. Identifiers: MedGen CN229799.
Marfan syndrome (MFS). Also called: MARFAN SYNDROME, TYPE I; FBN1-Related Marfan Syndrome; Marfan syndrome type 1; Marfan's syndrome; Marfan syndrome, classic. Identifiers: Orphanet 284963, Orphanet 558, MedGen C0024796, MONDO:0007947, OMIM 154700.
Familial thoracic aortic aneurysm and aortic dissection (TAAD). Also called: Thoracic aortic aneurysms and dissections. Identifiers: Orphanet 91387, MedGen C4707243, MONDO:0019625.

Submissions (3):

Women's Health and Genetics/Laboratory Corporation of America, LabCorp
Classification: Likely pathogenic for Marfan Syndrome/Loeys-Dietz Syndrome/Familial Thoracic Aortic Aneurysms and Dissections. Last evaluated: 2025-12-09. Review status: criteria provided, single submitter. Criteria: LabCorp Variant Classification Summary - May 2015. Collection method: clinical testing. Allele origin: germline.
Comment: Variant summary: FBN1 c.1753G>A (p.Gly585Arg) results in a non-conservative amino acid change in the encoded protein sequence. Algorithms developed to predict the effect of missense changes on protein structure and function all suggest that this variant is likely to be disruptive. The variant was absent in 251224 control chromosomes. c.1753G>A has been observed in individual(s) affected with Marfan Syndrome (example: KhauVanKien_2010, internal data). These data indicate that the variant may be associated with disease. To our knowledge, no experimental evidence demonstrating an impact on protein function has been reported. Other variant(s) that disrupt this residue have been observed in individuals with FBN1-related conditions (Internal data). The following publications has been ascertained in the context of this evaluation (PMID: 19802897). ClinVar contains an entry for this variant (Variation ID: 426255). Based on the evidence outlined above, the variant was classified as likely pathogenic.

Labcorp Genetics (formerly Invitae), Labcorp
Classification: Likely pathogenic for Marfan syndrome; Familial thoracic aortic aneurysm and aortic dissection. Last evaluated: 2023-09-03. Review status: criteria provided, single submitter. Criteria: Invitae Variant Classification Sherloc (09022015). Collection method: clinical testing. Allele origin: germline.
Comment: In summary, the currently available evidence indicates that the variant is pathogenic, but additional data are needed to prove that conclusively. Therefore, this variant has been classified as Likely Pathogenic. This variant disrupts the p.Gly585 amino acid residue in FBN1. Other variant(s) that disrupt this residue have been observed in individuals with FBN1-related conditions (Invitae), which suggests that this may be a clinically significant amino acid residue. Advanced modeling of protein sequence and biophysical properties (such as structural, functional, and spatial information, amino acid conservation, physicochemical variation, residue mobility, and thermodynamic stability) performed at Invitae indicates that this missense variant is expected to disrupt FBN1 protein function. ClinVar contains an entry for this variant (Variation ID: 426255). This missense change has been observed in individuals with clinical features of Marfan syndrome (PMID: 19802897; Invitae). This variant is not present in population databases (gnomAD no frequency). This sequence change replaces glycine, which is neutral and non-polar, with arginine, which is basic and polar, at codon 585 of the FBN1 protein (p.Gly585Arg).

GeneDx
Classification: Uncertain significance. Last evaluated: 2017-04-24. Review status: criteria provided, single submitter. Criteria: GeneDx Variant Classification (06012015). Collection method: clinical testing. Allele origin: germline. Affected: yes.
Comment: A variant of uncertain significance has been identified in the FBN1 gene. The G585R variant, arising from the c.1753 G>A nucleotide substitution, has not been published as pathogenic or been reported as benign to our knowledge. This variant is also not observed in large population cohorts (Lek et al., 2016; 1000 Genomes Consortium et al., 2015; Exome Variant Server). The G585R variant is a non-conservative amino acid substitution, which is likely to impact secondary protein structure as these residues differ in polarity, charge, size and/or other properties. Furthermore, this substitution occurs at a position that is conserved across species and in silico analysis predicts this variant is probably damaging to the protein structure/function. The same G585R missense variant arising from a different nucleotide substitution in the FBN1 gene, c.1753 G>C, has been reported in one individual diagnosed with incomplete Marfan syndrome who had a family history suggestive of Marfan syndrome (Khau Van Kien et al., 2010). Additionally, a different missense variant at the same residue in the FBN1 gene (G585E) has been reported in association with Marfan syndrome (Baumgartner et al., 2005). However, no segregation data were reported for either the c.1753 G>C (G585R) or G585E variants, and the clinical significance of these variants remain to be definitively determined. Moreover, G585R does not affect a Cysteine residue within a calcium-binding (cb) EGF-like domain of the FBN1 gene, which is the most common mechanism of pathogenic missense changes associated with FBN1-related disorders (Collod-Beroud et al., 2003).

Literature cited by the submitters: PubMed 19802897 (cited by Women's Health and Genetics/Laboratory Corporation of America, LabCorp and Labcorp Genetics (formerly Invitae), Labcorp).